The following is an entry in ClinVar:

NM_033026.6(PCLO):c.5623G>A (p.Glu1875Lys)

Gene: PCLO (piccolo presynaptic cytomatrix protein; minus strand). Cytogenetic location: 7q21.11.
Variant type: single nucleotide variant.
Coding change: c.5623G>A on transcript NM_033026.6 (MANE Select); coding-DNA position 5623, G replaced by A.
Protein change: p.Glu1875Lys; replaces glutamic acid 1875 with lysine.
Molecular consequence: missense variant.
Genome position (GRCh38, 1-based): chr7:82,955,330, C>T on the plus strand (G>A on the coding strand, the complement: PCLO is on the minus strand). VCF-style: chr7-82955330-C-T. GRCh37 (hg19) VCF-style: chr7-82584646-C-T.
Other names: c.5623G>A (NM_033026.5); c.5623G>A, p.Glu1875Lys (NM_014510.3); short protein forms E1875K.
Identifiers: ClinVar variation 1573206 (VCV001573206.10), dbSNP rs535025258, ClinGen allele CA4320612.

ClinVar aggregate classification (germline): Likely benign. Review status: criteria provided, single submitter (1 of 4 stars). 2 submissions from 2 submitters: Likely benign (1). 1 of the submissions does not count toward it. Last evaluated 2026-01-12.

Conditions:
PCLO-related disorder. Also called: PCLO-related condition.

Allele frequency attached by ClinVar (database versions not stated): TOPMed 0.00002; gnomAD 0.00014; ExAC 0.00042; 1000 Genomes Project 30x 0.00125; 1000 Genomes Project 0.00140.
gnomAD v4.1: 275 of 1,613,372 alleles (0.017%); highest among the groups gnomAD compares: South Asian, 0.29%; 4 homozygotes.

Submissions (2):

Labcorp Genetics (formerly Invitae), Labcorp
Classification: Likely benign. Last evaluated: 2026-01-12. Review status: criteria provided, single submitter. Criteria: Invitae Variant Classification Sherloc (09022015). Collection method: clinical testing. Allele origin: germline.

PreventionGenetics, part of Exact Sciences
Classification: Likely benign for PCLO-related condition. Last evaluated: 2023-05-10. Review status: no assertion criteria provided. Collection method: clinical testing. Allele origin: germline. Not counted in ClinVar's aggregate classification.
Comment: This variant is classified as likely benign based on ACMG/AMP sequence variant interpretation guidelines (Richards et al. 2015 PMID: 25741868, with internal and published modifications).